The following is an entry in ClinVar:

ClinVar aggregate classification (germline): Uncertain significance (1 of 4 stars; one submission).

Conditions:
Familial adenomatous polyposis 1 (FAP1). Also called: FAMILIAL ADENOMATOUS POLYPOSIS 1, ATTENUATED; POLYPOSIS, ADENOMATOUS INTESTINAL. Identifiers: MedGen C2713442, MONDO:0021056, OMIM 175100. Disease mechanism: loss of function.

Submission:

Labcorp Genetics (formerly Invitae), Labcorp
Classification: Uncertain significance for Familial adenomatous polyposis 1. Last evaluated: 2024-05-05. Review status: criteria provided, single submitter. Criteria: Invitae Variant Classification Sherloc (09022015). Collection method: clinical testing. Allele origin: germline.
Comment: This variant occurs in a non-coding region of the APC gene. It does not change the encoded amino acid sequence of the APC protein. This variant is not present in population databases (gnomAD no frequency). This variant has not been reported in the literature in individuals affected with APC-related conditions. Experimental studies and prediction algorithms are not available or were not evaluated, and the functional significance of this variant is currently unknown. In summary, the available evidence is currently insufficient to determine the role of this variant in disease. Therefore, it has been classified as a Variant of Uncertain Significance.

NM_001127511.3(APC):c.-117G>T

Gene: APC (APC regulator of Wnt signaling pathway; plus strand). Cytogenetic location: 5q22.2.
Variant type: single nucleotide variant.
Coding change: c.-117G>T on transcript NM_001127511.3; 117 bases upstream of the start codon, G replaced by T.
Molecular consequence: 5 prime UTR variant. On other transcripts: non-coding transcript variant (2).
Genome position (GRCh38, 1-based): chr5:112,707,601, G>T. VCF-style: chr5-112707601-G-T. GRCh37 (hg19) VCF-style: chr5-112043298-G-T.
Other names: c.-300G>T (NM_001354895.2, NM_001407447.1, NM_001407452.1 and 3 more transcripts); c.-117G>T (NM_001354897.2, NM_001354902.2, NM_001407446.1); c.-67G>T (NM_001407448.1, NM_001407450.1, NM_001407457.1 and 1 more transcripts); c.-91G>T (NM_001407453.1); c.-1335G>T (NM_001407470.1, NM_001407472.1).
Identifiers: ClinVar variation 3624874 (VCV003624874.2).